The following is an entry in ClinVar:

ClinVar aggregate classification (germline): Uncertain significance. Review status: criteria provided, multiple submitters, no conflicts (2 of 4 stars). 2 submissions from 2 submitters: Uncertain significance (2). Last evaluated 2024-12-17.

Submissions (2):

GeneDx
Classification: Uncertain significance. Last evaluated: 2024-12-17. Review status: criteria provided, single submitter. Criteria: GeneDx Variant Classification Process June 2021. Collection method: clinical testing. Allele origin: germline. Affected: yes.
Comment: Not observed at significant frequency in large population cohorts (gnomAD); Missense variants in this gene are a common cause of disease and they are underrepresented in the general population; In silico analysis supports that this missense variant has a deleterious effect on protein structure/function; Has not been previously published as pathogenic or benign to our knowledge

Blueprint Genetics
Classification: Uncertain significance. Last evaluated: 2023-01-25. Review status: criteria provided, single submitter. Criteria: ACMG Guidelines, 2015. Collection method: clinical testing. Allele origin: germline.

NM_001101.5(ACTB):c.659C>T (p.Ala220Val)

Gene: ACTB (actin beta; minus strand). Cytogenetic location: 7p22.1.
Variant type: single nucleotide variant.
Coding change: c.659C>T on transcript NM_001101.5 (MANE Select); coding-DNA position 659, C replaced by T.
Protein change: p.Ala220Val; replaces alanine 220 with valine.
Molecular consequence: missense variant.
Genome position (GRCh38, 1-based): chr7:5,528,424, G>A on the plus strand (C>T on the coding strand, the complement: ACTB is on the minus strand). VCF-style: chr7-5528424-G-A. GRCh37 (hg19) VCF-style: chr7-5568055-G-A.
Other names: short protein forms A220V.
Identifiers: ClinVar variation 3906652 (VCV003906652.2).
Genomic context (GRCh38, chr7:5,528,424, plus strand): 5'-TAGCTCTTCTCCAGGGAGGAGCTGGAAGCAGCCGTGGCCATCTCTTGCTCGAAGTCCAGG[G>A]CGACGTAGCACAGCTTCTCCTTAATGTCACGCACGATTTCCCGCTCGGCCGTGGTGGTGA-3'
Protein context (NP_001092.1, residues 210-230): RDIKEKLCYV[Ala220Val]LDFEQEMATA